The following is an entry in ClinVar:

ClinVar aggregate classification (germline): Benign/Likely benign. Review status: criteria provided, multiple submitters, no conflicts (2 of 4 stars). 8 submissions from 8 submitters: Benign (2); Likely benign (4). 2 of the submissions do not count toward it. Last evaluated 2026-02-02.

Conditions:
PALB2-related disorder. Also called: PALB2-related condition; PALB2-related disorders.
Hereditary cancer-predisposing syndrome. Also called: Neoplastic Syndromes, Hereditary; Tumor predisposition; Hereditary Cancer Syndrome; Hereditary neoplastic syndrome. Identifiers: Orphanet 140162, MedGen C0027672, MeSH D009386, MONDO:0015356.
Familial cancer of breast. Also called: BREAST CANCER, FAMILIAL; Hereditary breast cancer; hereditary breast carcinoma. Identifiers: Orphanet 227535, MedGen C0346153, MONDO:0016419, OMIM 114480. Disease mechanism: loss of function.

Allele frequency attached by ClinVar (database versions not stated): gnomAD exomes 0.00001.
gnomAD v4.1: 7 of 1,613,700 alleles (0.00043%); highest among the groups gnomAD compares: Admixed American, 0.0033%; no homozygotes.

Submissions (8):

Labcorp Genetics (formerly Invitae), Labcorp
Classification: Likely benign for Familial cancer of breast. Last evaluated: 2026-02-02. Review status: criteria provided, single submitter. Criteria: Invitae Variant Classification Sherloc (09022015). Collection method: clinical testing. Allele origin: germline.

Myriad Genetics, Inc.
Classification: Benign for Familial cancer of breast. Last evaluated: 2023-03-30. Review status: criteria provided, single submitter. Criteria: Myriad Autosomal Dominant, Autosomal Recessive and X-Linked Classification Criteria (2023). Collection method: clinical testing. Allele origin: unknown.
Comment: This variant is considered benign. This variant is a silent/synonymous amino acid change and it is not expected to impact splicing.

Genetic Services Laboratory, University of Chicago
Classification: Likely benign. Last evaluated: 2021-11-04. Review status: criteria provided, single submitter. Criteria: ACMG Guidelines, 2015. Collection method: clinical testing. Allele origin: germline. Affected: no.

Color Diagnostics, LLC DBA Color Health
Classification: Likely benign for Hereditary cancer-predisposing syndrome. Last evaluated: 2017-04-24. Review status: criteria provided, single submitter. Criteria: ACMG Guidelines, 2015. Collection method: clinical testing. Allele origin: germline.

GeneDx
Classification: Benign. Last evaluated: 2015-07-23. Review status: criteria provided, single submitter. Criteria: GeneDx Variant Classification Process June 2021. Collection method: clinical testing. Allele origin: germline. Affected: yes.

Ambry Genetics
Classification: Likely benign for Hereditary cancer-predisposing syndrome. Last evaluated: 2014-12-02. Review status: criteria provided, single submitter. Criteria: Ambry Variant Classification Scheme 2023. Collection method: clinical testing. Allele origin: germline.

PreventionGenetics, part of Exact Sciences
Classification: Likely benign for PALB2-related condition. Last evaluated: 2021-11-15. Review status: no assertion criteria provided. Collection method: clinical testing. Allele origin: germline. Not counted in ClinVar's aggregate classification.
Comment: This variant is classified as likely benign based on ACMG/AMP sequence variant interpretation guidelines (Richards et al. 2015 PMID: 25741868, with internal and published modifications).

Counsyl
Classification: Likely benign for Familial cancer of breast. Last evaluated: 2016-09-13. Review status: no assertion criteria provided. Collection method: clinical testing. Allele origin: unknown. Not counted in ClinVar's aggregate classification.

NM_024675.4(PALB2):c.2508C>G (p.Val836=)

Gene: PALB2 (partner and localizer of BRCA2; minus strand). Cytogenetic location: 16p12.2.
Variant type: single nucleotide variant.
Coding change: c.2508C>G on transcript NM_024675.4 (MANE Select); coding-DNA position 2508, C replaced by G.
Protein change: p.Val836=; no amino-acid change (valine 836 retained).
Molecular consequence: synonymous variant.
Genome position (GRCh38, 1-based): chr16:23,629,646, G>C on the plus strand (C>G on the coding strand, the complement: PALB2 is on the minus strand). VCF-style: chr16-23629646-G-C. GRCh37 (hg19) VCF-style: chr16-23640967-G-C.
Identifiers: ClinVar variation 187271 (VCV000187271.28), dbSNP rs786203603, ClinGen allele CA197200.